The following is an entry in ClinVar:

ClinVar aggregate classification (germline): Uncertain significance. Review status: criteria provided, multiple submitters, no conflicts (2 of 4 stars). 2 submissions from 2 submitters: Uncertain significance (2). Last evaluated 2025-09-17.

Conditions:
WNK1-related disorder. Also called: WNK1-related condition.
Neuropathy, hereditary sensory and autonomic, type 2A (HSAN2A). Also called: HSAN IIA; WNK1-Related HSAN2 (HSAN2A); MORVAN DISEASE; NEUROPATHY, CONGENITAL SENSORY; NEUROPATHY, HEREDITARY SENSORY RADICULAR, AUTOSOMAL RECESSIVE; NEUROPATHY, HEREDITARY SENSORY, TYPE IIA. Identifiers: Orphanet 970, MedGen C2752089, MONDO:0024309, OMIM 201300.
Pseudohypoaldosteronism type 2C (PHA2C). Also called: Pseudohypoaldosteronism Type IIC. Identifiers: Orphanet 757, Orphanet 88940, MedGen C1840391, MONDO:0013778, OMIM 614492.

Allele frequency attached by ClinVar (database versions not stated): ExAC 0.00002; TOPMed 0.00003; ESP Exome Variant Server 0.00008.

Submissions (2):

PreventionGenetics, part of Exact Sciences
Classification: Uncertain significance for WNK1-related condition. Last evaluated: 2025-09-17. Review status: criteria provided, single submitter. Criteria: ACMG Guidelines, 2015. Collection method: clinical testing. Allele origin: germline.
Comment: The WNK1 c.3848C>G variant is predicted to result in the amino acid substitution p.Ala1283Gly. To our knowledge, this variant has not been reported in the literature. This variant is reported in 0.012% of alleles in individuals of African descent in gnomAD. At this time, the clinical significance of this variant is uncertain due to the absence of conclusive functional and genetic evidence.

Labcorp Genetics (formerly Invitae), Labcorp
Classification: Uncertain significance for Neuropathy, hereditary sensory and autonomic, type 2A; Pseudohypoaldosteronism type 2C. Last evaluated: 2024-03-22. Review status: criteria provided, single submitter. Criteria: Invitae Variant Classification Sherloc (09022015). Collection method: clinical testing. Allele origin: germline.
Comment: This sequence change replaces alanine, which is neutral and non-polar, with glycine, which is neutral and non-polar, at codon 1535 of the WNK1 protein (p.Ala1535Gly). This variant is present in population databases (rs373451256, gnomAD 0.02%). This variant has not been reported in the literature in individuals affected with WNK1-related conditions. Advanced modeling of protein sequence and biophysical properties (such as structural, functional, and spatial information, amino acid conservation, physicochemical variation, residue mobility, and thermodynamic stability) performed at Invitae indicates that this missense variant is not expected to disrupt WNK1 protein function with a negative predictive value of 95%. In summary, the available evidence is currently insufficient to determine the role of this variant in disease. Therefore, it has been classified as a Variant of Uncertain Significance.

NM_018979.4(WNK1):c.3848C>G (p.Ala1283Gly)

Gene: WNK1 (WNK lysine deficient protein kinase 1; plus strand). Cytogenetic location: 12p13.33.
Variant type: single nucleotide variant.
Coding change: c.3848C>G on transcript NM_018979.4 (MANE Select); coding-DNA position 3848, C replaced by G.
Protein change: p.Ala1283Gly; replaces alanine 1283 with glycine.
Molecular consequence: missense variant.
Genome position (GRCh38, 1-based): chr12:884,652, C>G. VCF-style: chr12-884652-C-G. GRCh37 (hg19) VCF-style: chr12-993818-C-G.
Other names: c.4604C>G, p.Ala1535Gly (NM_213655.5); c.4628C>G, p.Ala1543Gly (NM_001184985.2); c.3107C>G, p.Ala1036Gly (NM_014823.3); c.3848C>G (NM_018979.3); short protein forms A1535G, A1283G, A1036G, A1543G.
Identifiers: ClinVar variation 2927455 (VCV002927455.4), dbSNP rs373451256, ClinGen allele CA6382885.